The following is an entry in ClinVar:

NM_000551.4(VHL):c.340+710T>C

Genes: VHL (von Hippel-Lindau tumor suppressor; plus strand), LOC107303340 (3p25 von Hippel-Lindau tumor suppressor, E3 ubiquitin protein ligase Alu-mediated recombination region; plus strand). Cytogenetic location: 3p25.3.
Variant type: single nucleotide variant.
Coding change: c.340+710T>C on transcript NM_000551.4 (MANE Select); 710 bases into the intron after coding-DNA position 340, T replaced by C.
Molecular consequence: intron variant. On other transcripts: missense variant (1).
Genome position (GRCh38, 1-based): chr3:10,142,897, T>C. VCF-style: chr3-10142897-T-C. GRCh37 (hg19) VCF-style: chr3-10184581-T-C.
Other names: c.475T>C, p.Trp159Arg (NM_001354723.2); c.340+710T>C (NM_198156.3); short protein forms W159R.
Identifiers: ClinVar variation 2106151 (VCV002106151.4), dbSNP rs2125126011, ClinGen allele CA2580068440.

ClinVar aggregate classification (germline): Uncertain significance (1 of 4 stars; one submission).

Conditions:
Chuvash polycythemia. Also called: POLYCYTHEMIA, VHL-DEPENDENT. Identifiers: Orphanet 238557, MedGen C1837915, MONDO:0009892, OMIM 263400.
Von Hippel-Lindau syndrome (VHLS). Also called: von Hippel–Lindau syndrome; Von Hippel-Lindau; VHL syndrome. Identifiers: Orphanet 892, MedGen C0019562, MONDO:0008667, OMIM 193300. Disease mechanism: loss of function.

Submission:

Labcorp Genetics (formerly Invitae), Labcorp
Classification: Uncertain significance for Von Hippel-Lindau syndrome; Chuvash polycythemia. Last evaluated: 2022-03-31. Review status: criteria provided, single submitter. Criteria: Invitae Variant Classification Sherloc (09022015). Collection method: clinical testing. Allele origin: germline.
Comment: In summary, the available evidence is currently insufficient to determine the role of this variant in disease. Therefore, it has been classified as a Variant of Uncertain Significance. Algorithms developed to predict the effect of sequence changes on RNA splicing suggest that this variant is not likely to affect RNA splicing. This variant has not been reported in the literature in individuals affected with VHL-related conditions. This variant is not present in population databases (gnomAD no frequency). This sequence change falls in intron 1 of the VHL gene. It is not expected to change the encoded amino acid sequence of the VHL protein. However, this sequence change falls within a cryptic exon in the VHL gene, known as exon E1’, which is naturally expressed at low levels in several human tissues (PMID: 29891534).

Literature cited by the submitters: PubMed 29891534.